The following is an entry in ClinVar:

ClinVar aggregate classification (germline): Uncertain significance. Review status: criteria provided, multiple submitters, no conflicts (2 of 4 stars). 3 submissions from 3 submitters: Uncertain significance (3). Last evaluated 2026-03-04.

Conditions:
PCNT-related disorder. Also called: PCNT-related condition.
Microcephalic osteodysplastic primordial dwarfism type II (MOPD2). Also called: Microcephalic osteodysplastic primordial dwarfism with tooth abnormalities; MOPD II; OSTEODYSPLASTIC PRIMORDIAL DWARFISM, TYPE II. Identifiers: Orphanet 2637, MedGen C0432246, MONDO:0008872, OMIM 210720.

Allele frequency attached by ClinVar (database versions not stated): gnomAD 0.00007; gnomAD exomes 0.00007; ExAC 0.00004; TOPMed 0.00005.
gnomAD v4.1: 126 of 1,613,932 alleles (0.0078%); highest among the groups gnomAD compares: East Asian, 0.013%; no homozygotes.

Submissions (3):

PreventionGenetics, part of Exact Sciences
Classification: Uncertain significance for PCNT-related condition. Last evaluated: 2026-03-04. Review status: criteria provided, single submitter. Criteria: ACMG Guidelines, 2015. Collection method: clinical testing. Allele origin: germline.
Comment: The PCNT c.3221G>A variant is predicted to result in the amino acid substitution p.Arg1074Gln. To our knowledge, this variant has not been reported in the literature. This variant is reported in 0.050% of alleles in individuals of East Asian descent in gnomAD, which may be too frequent to be a primary cause of disease. Although we suspect that this variant may be benign, the clinical significance of this variant is currently classified as uncertain due to the absence of conclusive functional and genetic evidence.

Labcorp Genetics (formerly Invitae), Labcorp
Classification: Uncertain significance. Last evaluated: 2021-09-24. Review status: criteria provided, single submitter. Criteria: Invitae Variant Classification Sherloc (09022015). Collection method: clinical testing. Allele origin: germline.
Comment: This sequence change replaces arginine with glutamine at codon 1074 of the PCNT protein (p.Arg1074Gln). The arginine residue is weakly conserved and there is a small physicochemical difference between arginine and glutamine. This variant is present in population databases (rs756810982, ExAC 0.01%). This variant has not been reported in the literature in individuals affected with PCNT-related conditions. ClinVar contains an entry for this variant (Variation ID: 898471). Algorithms developed to predict the effect of missense changes on protein structure and function output the following: SIFT: "Tolerated"; PolyPhen-2: "Benign"; Align-GVGD: "Class C0". The glutamine amino acid residue is found in multiple mammalian species, which suggests that this missense change does not adversely affect protein function. In summary, the available evidence is currently insufficient to determine the role of this variant in disease. Therefore, it has been classified as a Variant of Uncertain Significance.

Illumina Laboratory Services, Illumina
Classification: Uncertain significance for Microcephalic osteodysplastic primordial dwarfism type II. Last evaluated: 2018-01-13. Review status: criteria provided, single submitter. Criteria: ICSL Variant Classification Criteria 13 December 2019. Collection method: clinical testing. Allele origin: germline.

NM_006031.6(PCNT):c.3221G>A (p.Arg1074Gln)

Gene: PCNT (pericentrin; plus strand). Cytogenetic location: 21q22.3.
Variant type: single nucleotide variant.
Coding change: c.3221G>A on transcript NM_006031.6 (MANE Select); coding-DNA position 3221, G replaced by A.
Protein change: p.Arg1074Gln; replaces arginine 1074 with glutamine.
Molecular consequence: missense variant.
Genome position (GRCh38, 1-based): chr21:46,381,749, G>A. VCF-style: chr21-46381749-G-A. GRCh37 (hg19) VCF-style: chr21-47801664-G-A.
Other names: c.2867G>A, p.Arg956Gln (NM_001315529.2); short protein forms R956Q, R1074Q.
Identifiers: ClinVar variation 898471 (VCV000898471.11), dbSNP rs756810982, ClinGen allele CA10079218.